The following is an entry in ClinVar:

ClinVar aggregate classification (germline): Uncertain significance (1 of 4 stars; one submission).

Submission:

Ambry Genetics
Classification: Uncertain significance. Last evaluated: 2025-03-15. Review status: criteria provided, single submitter. Criteria: Ambry Variant Classification Scheme 2023. Collection method: clinical testing. Allele origin: germline.
Comment: The p.L184F variant (also known as c.552A>C), located in coding exon 5 of the RECQL gene, results from an A to C substitution at nucleotide position 552. The leucine at codon 184 is replaced by phenylalanine, an amino acid with highly similar properties. This amino acid position is conserved. In addition, this alteration is predicted to be tolerated by in silico analysis. Based on the available evidence, the clinical significance of this variant remains unclear.

NM_002907.4(RECQL):c.552A>C (p.Leu184Phe)

Gene: RECQL (RecQ like helicase; minus strand). Cytogenetic location: 12p12.1.
Variant type: single nucleotide variant.
Coding change: c.552A>C on transcript NM_002907.4 (MANE Select); coding-DNA position 552, A replaced by C.
Protein change: p.Leu184Phe; replaces leucine 184 with phenylalanine.
Molecular consequence: missense variant.
Genome position (GRCh38, 1-based): chr12:21,483,524, T>G on the plus strand (A>C on the coding strand, the complement: RECQL is on the minus strand). VCF-style: chr12-21483524-T-G. GRCh37 (hg19) VCF-style: chr12-21636458-T-G.
Other names: c.552A>C, p.Leu184Phe (NM_032941.3); short protein forms L184F.
Identifiers: ClinVar variation 3944190 (VCV003944190.1).